The following is an entry in ClinVar:

NM_000744.7(CHRNA4):c.1553C>T (p.Ala518Val)

Gene: CHRNA4 (cholinergic receptor nicotinic alpha 4 subunit; minus strand). Cytogenetic location: 20q13.33.
Variant type: single nucleotide variant.
Coding change: c.1553C>T on transcript NM_000744.7 (MANE Select); coding-DNA position 1553, C replaced by T.
Protein change: p.Ala518Val; replaces alanine 518 with valine.
Molecular consequence: missense variant. On other transcripts: non-coding transcript variant (1).
Genome position (GRCh38, 1-based): chr20:63,349,858, G>A on the plus strand (C>T on the coding strand, the complement: CHRNA4 is on the minus strand). VCF-style: chr20-63349858-G-A. GRCh37 (hg19) VCF-style: chr20-61981210-G-A.
Other names: c.1025C>T, p.Ala342Val (NM_001256573.2); short protein forms A342V, A518V.
Identifiers: ClinVar variation 2149556 (VCV002149556.4), dbSNP rs201365294, ClinGen allele CA9957573.

ClinVar aggregate classification (germline): Uncertain significance (1 of 4 stars; one submission).

Conditions:
Familial sleep-related hypermotor epilepsy. Also called: Autosomal Dominant Sleep-Related Hypermotor (Hyperkinetic) Epilepsy. Identifiers: Orphanet 98784, MedGen C3696898, MONDO:0000030.

Allele frequency attached by ClinVar (database versions not stated): 1000 Genomes Project 30x 0.00031.
gnomAD v4.1: 6 of 1,595,994 alleles (0.00038%); highest among the groups gnomAD compares: Admixed American, 0.01%; no homozygotes.

Submission:

Labcorp Genetics (formerly Invitae), Labcorp
Classification: Uncertain significance. Last evaluated: 2025-10-27. Review status: criteria provided, single submitter. Criteria: Invitae Variant Classification Sherloc (09022015). Collection method: clinical testing. Allele origin: germline.
Comment: This sequence change replaces alanine, which is neutral and non-polar, with valine, which is neutral and non-polar, at codon 518 of the CHRNA4 protein (p.Ala518Val). This variant is present in population databases (rs201365294, gnomAD 0.009%). This variant has not been reported in the literature in individuals affected with CHRNA4-related conditions. ClinVar contains an entry for this variant (Variation ID: 2149556). Invitae Evidence Modeling of protein sequence and biophysical properties (such as structural, functional, and spatial information, amino acid conservation, physicochemical variation, residue mobility, and thermodynamic stability) indicates that this missense variant is not expected to disrupt CHRNA4 protein function with a negative predictive value of 80%. In summary, the available evidence is currently insufficient to determine the role of this variant in disease. Therefore, it has been classified as a Variant of Uncertain Significance.